The following is an entry in ClinVar:

ClinVar aggregate classification (germline): Uncertain significance. Review status: criteria provided, multiple submitters, no conflicts (2 of 4 stars). 2 submissions from 2 submitters: Uncertain significance (2). Last evaluated 2024-03-15.

Conditions:
Epidermodysplasia verruciformis. Identifiers: Orphanet 302, MedGen C0014522, MONDO:0009176.
Inborn genetic diseases. Identifiers: MedGen C0950123, MeSH D030342.

Allele frequency attached by ClinVar (database versions not stated): gnomAD exomes below 0.00001; ExAC 0.00001.
gnomAD v4.1: 1 of 1,612,134 alleles (0.000062%); highest among the groups gnomAD compares: South Asian, 0.0011%; no homozygotes.

Submissions (2):

Ambry Genetics
Classification: Uncertain significance for Inborn genetic diseases. Last evaluated: 2024-03-15. Review status: criteria provided, single submitter. Criteria: Ambry Variant Classification Scheme 2023. Collection method: clinical testing. Allele origin: germline.

Labcorp Genetics (formerly Invitae), Labcorp
Classification: Uncertain significance for Epidermodysplasia verruciformis. Last evaluated: 2022-03-02. Review status: criteria provided, single submitter. Criteria: Invitae Variant Classification Sherloc (09022015). Collection method: clinical testing. Allele origin: germline.
Comment: This sequence change replaces asparagine, which is neutral and polar, with serine, which is neutral and polar, at codon 259 of the TMC6 protein (p.Asn259Ser). In summary, the available evidence is currently insufficient to determine the role of this variant in disease. Therefore, it has been classified as a Variant of Uncertain Significance. Algorithms developed to predict the effect of missense changes on protein structure and function are either unavailable or do not agree on the potential impact of this missense change (SIFT: "Not Available"; PolyPhen-2: "Possibly Damaging"; Align-GVGD: "Not Available"). This variant has not been reported in the literature in individuals affected with TMC6-related conditions. This variant is present in population databases (rs753391575, gnomAD 0.003%).

NM_001127198.5(TMC6):c.776A>G (p.Asn259Ser)

Gene: TMC6 (transmembrane channel like 6; minus strand). Cytogenetic location: 17q25.3.
Variant type: single nucleotide variant.
Coding change: c.776A>G on transcript NM_001127198.5 (MANE Select); coding-DNA position 776, A replaced by G.
Protein change: p.Asn259Ser; replaces asparagine 259 with serine.
Molecular consequence: missense variant. On other transcripts: non-coding transcript variant (4).
Genome position (GRCh38, 1-based): chr17:78,124,639, T>C on the plus strand (A>G on the coding strand, the complement: TMC6 is on the minus strand). VCF-style: chr17-78124639-T-C. GRCh37 (hg19) VCF-style: chr17-76120720-T-C.
Other names: c.776A>G, p.Asn259Ser (NM_001321185.1, NM_001374593.1, NM_001374594.1 and 4 more transcripts); short protein forms N259S.
Identifiers: ClinVar variation 2105605 (VCV002105605.5), dbSNP rs753391575, ClinGen allele CA8796006.